The following is an entry in ClinVar:

ClinVar aggregate classification (germline): Uncertain significance (1 of 4 stars; one submission).

Conditions:
Oligodontia-cancer predisposition syndrome. Also called: TOOTH AGENESIS-COLORECTAL CANCER SYNDROME. Identifiers: Orphanet 300576, MedGen C1837750, MONDO:0012075, OMIM 608615. Disease mechanism: loss of function.

Submission:

Labcorp Genetics (formerly Invitae), Labcorp
Classification: Uncertain significance for Oligodontia-cancer predisposition syndrome. Last evaluated: 2026-01-05. Review status: criteria provided, single submitter. Criteria: Invitae Variant Classification Sherloc (09022015). Collection method: clinical testing. Allele origin: germline.
Comment: This variant, c.697_699del, results in the deletion of 1 amino acid(s) of the AXIN2 protein (p.Glu233del), but otherwise preserves the integrity of the reading frame. This variant is not present in population databases (gnomAD no frequency). This variant has not been reported in the literature in individuals affected with AXIN2-related conditions. Experimental studies and prediction algorithms are not available or were not evaluated, and the functional significance of this variant is currently unknown. In summary, the available evidence is currently insufficient to determine the role of this variant in disease. Therefore, it has been classified as a Variant of Uncertain Significance.

NM_004655.4(AXIN2):c.694GAG[1] (p.Glu233del)

Gene: AXIN2 (axin 2; minus strand). Cytogenetic location: 17q24.1.
Variant type: Microsatellite.
Coding change: c.694GAG[1] on transcript NM_004655.4 (MANE Select); one copy of the 3-base unit GAG starting at c.694; the reference has two copies in a row; one copy, 3 bases deleted.
Protein change: p.Glu233del; deletes glutamic acid 233.
Molecular consequence: inframe deletion.
Genome position (GRCh38, 1-based): chr17:65,557,922-65,557,924, CTC deleted on the plus strand (GAG on the coding strand, the reverse complement: AXIN2 is on the minus strand); deleting any 3 consecutive bases within chr17:65,557,922-65,557,927 gives the same sequence; the position shown is the placement nearest the transcript's 3' end. VCF-style (leftmost placement, unchanged base first): chr17-65557921-ACTC-A. GRCh37 (hg19) VCF-style: chr17-63554039-ACTC-A.
Other names: c.694GAG[1], p.Glu233del (NM_001363813.1); short protein forms E233del.
Identifiers: ClinVar variation 2907261 (VCV002907261.3), dbSNP rs2544248072, ClinGen allele CA2739268308.